The following is an entry in ClinVar:

ClinVar aggregate classification (germline): Uncertain significance (1 of 4 stars; one submission).

Conditions:
Orofacial-digital syndrome IV (OFD4). Also called: BARAITSER-BURN SYNDROME; OFD SYNDROME WITH TIBIAL DEFECTS; OFD SYNDROME, BARAITSER-BURN TYPE; OFDS IV; ORAL-FACIAL-DIGITAL SYNDROME, TYPE IV; MOHR-MAJEWSKI SYNDROME. Identifiers: Orphanet 2753, MedGen C0406727, MONDO:0009794, OMIM 258860.
Joubert syndrome 18 (JBTS18). Identifiers: Orphanet 2754, MedGen C3553758, MONDO:0013896, OMIM 614815.

Submission:

Labcorp Genetics (formerly Invitae), Labcorp
Classification: Uncertain significance for Joubert syndrome 18; Orofacial-digital syndrome IV. Last evaluated: 2024-10-22. Review status: criteria provided, single submitter. Criteria: Invitae Variant Classification Sherloc (09022015). Collection method: clinical testing. Allele origin: germline.
Comment: This sequence change replaces valine, which is neutral and non-polar, with leucine, which is neutral and non-polar, at codon 581 of the TCTN3 protein (p.Val581Leu). This variant is not present in population databases (gnomAD no frequency). This variant has not been reported in the literature in individuals affected with TCTN3-related conditions. ClinVar contains an entry for this variant (Variation ID: 1013694). An algorithm developed to predict the effect of missense changes on protein structure and function (PolyPhen-2) suggests that this variant is likely to be tolerated. In summary, the available evidence is currently insufficient to determine the role of this variant in disease. Therefore, it has been classified as a Variant of Uncertain Significance.

NM_015631.6(TCTN3):c.1741G>C (p.Val581Leu)

Gene: TCTN3 (tectonic family member 3; minus strand). Cytogenetic location: 10q24.1.
Variant type: single nucleotide variant.
Coding change: c.1741G>C on transcript NM_015631.6 (MANE Select); coding-DNA position 1741, G replaced by C.
Protein change: p.Val581Leu; replaces valine 581 with leucine.
Molecular consequence: missense variant.
Genome position (GRCh38, 1-based): chr10:95,664,150, C>G on the plus strand (G>C on the coding strand, the complement: TCTN3 is on the minus strand). VCF-style: chr10-95664150-C-G. GRCh37 (hg19) VCF-style: chr10-97423907-C-G.
Other names: c.1297G>C, p.Val433Leu (NM_001143973.2); short protein forms V433L, V581L.
Identifiers: ClinVar variation 1013694 (VCV001013694.8), dbSNP rs1566062590, ClinGen allele CA377699192.
Genomic context (GRCh38, chr10:95,664,150, plus strand): 5'-CTCCAAGTAGTAAGAGGCACAGGATAAGGATGGGAGAGACTGAGCATTTTTGAGAGAATA[C>G]TCCTCTGCTGAATGCCACTTTGAAGGGAAAGAAGTCGAATGGCCATTTCCAGTCCATTTT-3'
Protein context (NP_056446.4, residues 571-591): FPFKVAFSRG[Val581Leu]FSQKCSVSPI